The following is an entry in ClinVar:

NM_005068.3(SIM1):c.1744T>C (p.Leu582=)

Gene: SIM1 (SIM bHLH transcription factor 1; minus strand). Cytogenetic location: 6q16.3.
Variant type: single nucleotide variant.
Coding change: c.1744T>C on transcript NM_005068.3 (MANE Select); coding-DNA position 1744, T replaced by C.
Protein change: p.Leu582=; no amino-acid change (leucine 582 retained).
Molecular consequence: synonymous variant.
Genome position (GRCh38, 1-based): chr6:100,390,918, A>G on the plus strand (T>C on the coding strand, the complement: SIM1 is on the minus strand). VCF-style: chr6-100390918-A-G. GRCh37 (hg19) VCF-style: chr6-100838794-A-G.
Other names: c.1744T>C, p.Leu582= (NM_001374769.1).
Identifiers: ClinVar variation 3055150 (VCV003055150.2), dbSNP rs761882778, ClinGen allele CA3936946.

ClinVar aggregate classification (germline): Likely benign (0 of 4 stars; one submission).

Conditions:
SIM1-related disorder. Also called: SIM1-related disorders; SIM1-related condition.

Allele frequency attached by ClinVar (database versions not stated): gnomAD 0.00001; gnomAD exomes 0.00002; ExAC 0.00004.
gnomAD v4.1: 36 of 1,613,978 alleles (0.0022%); highest among the groups gnomAD compares: South Asian, 0.037%; 1 homozygote.

Submission:

PreventionGenetics, part of Exact Sciences
Classification: Likely benign for SIM1-related condition. Last evaluated: 2022-02-22. Review status: no assertion criteria provided. Collection method: clinical testing. Allele origin: germline.
Comment: This variant is classified as likely benign based on ACMG/AMP sequence variant interpretation guidelines (Richards et al. 2015 PMID: 25741868, with internal and published modifications).